The following is an entry in ClinVar:

NM_000246.4(CIITA):c.1765G>A (p.Glu589Lys)

Gene: CIITA (class II major histocompatibility complex transactivator; plus strand). Cytogenetic location: 16p13.13.
Variant type: single nucleotide variant.
Coding change: c.1765G>A on transcript NM_000246.4 (MANE Select); coding-DNA position 1765, G replaced by A.
Protein change: p.Glu589Lys; replaces glutamic acid 589 with lysine.
Molecular consequence: missense variant. On other transcripts: intron variant (1).
Genome position (GRCh38, 1-based): chr16:10,907,257, G>A. VCF-style: chr16-10907257-G-A. GRCh37 (hg19) VCF-style: chr16-11001114-G-A.
Other names: c.1768G>A, p.Glu590Lys (NM_001286402.1, NM_001379332.1); c.1621G>A, p.Glu541Lys (NM_001379330.1); c.1618G>A, p.Glu540Lys (NM_001379331.1); c.1765G>A, p.Glu589Lys (NM_001379333.1); c.1696G>A, p.Glu566Lys (NM_001379334.1); c.860-1726G>A (NM_001286403.2); c.1765G>A (NM_000246.3); short protein forms E540K, E541K, E566K, E589K, E590K.
Identifiers: ClinVar variation 1020749 (VCV001020749.11), dbSNP rs2039233689, ClinGen allele CA394731718.
Genomic context (GRCh38, chr16:10,907,257, plus strand): 5'-TTCTCCATGGAGCAGGCCCAGGCATACGTGATGCGCTACTTTGAGAGCTCAGGGATGACA[G>A]AGCACCAAGACAGAGCCCTGACGCTCCTCCGGGACCGGCCACTTCTTCTCAGTCACAGCC-3'
Protein context (NP_000237.2, residues 579-599): MRYFESSGMT[Glu589Lys]HQDRALTLLR

ClinVar aggregate classification (germline): Uncertain significance. Review status: criteria provided, multiple submitters, no conflicts (2 of 4 stars). 3 submissions from 3 submitters: Uncertain significance (2). 1 of the submissions does not count toward it. Last evaluated 2024-10-16.

Conditions:
Inborn genetic diseases. Identifiers: MedGen C0950123, MeSH D030342.
MHC class II deficiency. Also called: BLS, TYPE II; Bare lymphocyte syndrome 2. Identifiers: Orphanet 572, MedGen C5447452, MONDO:0008855.

Submissions (3):

Ambry Genetics
Classification: Uncertain significance for Inborn genetic diseases. Last evaluated: 2024-10-16. Review status: criteria provided, single submitter. Criteria: Ambry Variant Classification Scheme 2023. Collection method: clinical testing. Allele origin: germline.

Labcorp Genetics (formerly Invitae), Labcorp
Classification: Uncertain significance for MHC class II deficiency. Last evaluated: 2022-04-12. Review status: criteria provided, single submitter. Criteria: Invitae Variant Classification Sherloc (09022015). Collection method: clinical testing. Allele origin: germline.
Comment: In summary, the available evidence is currently insufficient to determine the role of this variant in disease. Therefore, it has been classified as a Variant of Uncertain Significance. This sequence change replaces glutamic acid, which is acidic and polar, with lysine, which is basic and polar, at codon 589 of the CIITA protein (p.Glu589Lys). This variant is not present in population databases (gnomAD no frequency). This variant has not been reported in the literature in individuals affected with CIITA-related conditions. ClinVar contains an entry for this variant (Variation ID: 1020749). Algorithms developed to predict the effect of missense changes on protein structure and function (SIFT, PolyPhen-2, Align-GVGD) all suggest that this variant is likely to be tolerated.

Natera, Inc.
Classification: Uncertain significance for Bare lymphocyte syndrome type II. Last evaluated: 2021-02-10. Review status: no assertion criteria provided. Collection method: clinical testing. Allele origin: germline. Not counted in ClinVar's aggregate classification.